The following is an entry in ClinVar:

ClinVar aggregate classification (germline): Likely pathogenic. Review status: criteria provided, multiple submitters, no conflicts (2 of 4 stars). 2 submissions from 2 submitters: Likely pathogenic (2). Last evaluated 2024-06-20.

Conditions:
Thyroid dyshormonogenesis 6 (TDH6). Also called: HYPOTHYROIDISM, CONGENITAL, DUE TO DYSHORMONOGENESIS, 6; THYROID HORMONOGENESIS, GENETIC DEFECT IN, 6; Genetic transient congenital hypothyroidism. Identifiers: Orphanet 226316, Orphanet 95716, MedGen C1846632, MONDO:0011792, OMIM 607200.

gnomAD v4.1: 11 of 1,614,094 alleles (0.00068%); highest among the groups gnomAD compares: East Asian, 0.022%; no homozygotes.

Submissions (2):

Fulgent Genetics
Classification: Likely pathogenic for Thyroid dyshormonogenesis 6. Last evaluated: 2024-06-20. Review status: criteria provided, single submitter. Criteria: ACMG Guidelines, 2015. Collection method: clinical testing. Allele origin: germline.

Juno Genomics, Hangzhou Juno Genomics, Inc
Classification: Likely pathogenic for Thyroid dyshormonogenesis 6. Review status: criteria provided, single submitter. Criteria: ACMG Guidelines, 2015. Collection method: clinical testing. Allele origin: germline.
Comment: Absent from controls (or at extremely low frequency if recessive) in Genome Aggregation Database.;Multiple lines of computational evidence support a deleterious effect on the gene or gene product.;For recessive disorders, detected in trans with a pathogenic variant.;Patient's phenotype or family history is highly specific for a disease with a single genetic etiology.

NM_001363711.2(DUOX2):c.1304A>G (p.Asp435Gly)

Gene: DUOX2 (dual oxidase 2; minus strand). Cytogenetic location: 15q21.1.
Variant type: single nucleotide variant.
Coding change: c.1304A>G on transcript NM_001363711.2 (MANE Select); coding-DNA position 1304, A replaced by G.
Protein change: p.Asp435Gly; replaces aspartic acid 435 with glycine.
Molecular consequence: missense variant.
Genome position (GRCh38, 1-based): chr15:45,108,883, T>C on the plus strand (A>G on the coding strand, the complement: DUOX2 is on the minus strand). VCF-style: chr15-45108883-T-C. GRCh37 (hg19) VCF-style: chr15-45401081-T-C.
Other names: c.1304A>G (NM_014080.4); c.1304A>G, p.Asp435Gly (NM_014080.5); short protein forms D435G.
Identifiers: ClinVar variation 3577198 (VCV003577198.4).